The following is an entry in ClinVar:

NM_212482.4(FN1):c.2843G>A (p.Gly948Asp)

Gene: FN1 (fibronectin 1; minus strand). Cytogenetic location: 2q35.
Variant type: single nucleotide variant.
Coding change: c.2843G>A on transcript NM_212482.4 (MANE Select); coding-DNA position 2843, G replaced by A.
Protein change: p.Gly948Asp; replaces glycine 948 with aspartic acid.
Molecular consequence: missense variant.
Genome position (GRCh38, 1-based): chr2:215,406,381, C>T on the plus strand (G>A on the coding strand, the complement: FN1 is on the minus strand). VCF-style: chr2-215406381-C-T. GRCh37 (hg19) VCF-style: chr2-216271104-C-T.
Other names: c.2843G>A, p.Gly948Asp (NM_001306129.2, NM_001306130.2, NM_001306131.2 and 13 more transcripts); short protein forms G948D.
Identifiers: ClinVar variation 2881311 (VCV002881311.3), dbSNP rs1575609752, ClinGen allele CA350489915.

ClinVar aggregate classification (germline): Uncertain significance (1 of 4 stars; one submission).

Submission:

Labcorp Genetics (formerly Invitae), Labcorp
Classification: Uncertain significance. Last evaluated: 2023-06-14. Review status: criteria provided, single submitter. Criteria: Invitae Variant Classification Sherloc (09022015). Collection method: clinical testing. Allele origin: germline.
Comment: In summary, the available evidence is currently insufficient to determine the role of this variant in disease. Therefore, it has been classified as a Variant of Uncertain Significance. Advanced modeling of protein sequence and biophysical properties (such as structural, functional, and spatial information, amino acid conservation, physicochemical variation, residue mobility, and thermodynamic stability) performed at Invitae indicates that this missense variant is not expected to disrupt FN1 protein function. This variant has not been reported in the literature in individuals affected with FN1-related conditions. This variant is not present in population databases (gnomAD no frequency). This sequence change replaces glycine, which is neutral and non-polar, with aspartic acid, which is acidic and polar, at codon 948 of the FN1 protein (p.Gly948Asp).